The following is an entry in ClinVar:

NM_000719.7(CACNA1C):c.5862_5873del (p.Pro1956_Pro1959del)

Genes: CACNA1C (calcium voltage-gated channel subunit alpha1 C; plus strand), CACNA1C-AS1 (CACNA1C antisense RNA 1; minus strand). Cytogenetic location: 12p13.33.
Variant type: Deletion.
Coding change: c.5862_5873del on transcript NM_000719.7 (MANE Select); coding-DNA positions 5862 to 5873, 12 bases deleted (CCCACCAGCCAC).
Protein change: p.Pro1956_Pro1959del.
Molecular consequence: inframe deletion.
Genome position (GRCh38, 1-based): chr12:2,688,524-2,688,535, CCCACCAGCCAC deleted; deleting any 12 consecutive bases within chr12:2,688,519-2,688,535 gives the same sequence; the c. name uses the placement nearest the transcript's 3' end. VCF-style (leftmost placement, unchanged base first): chr12-2688518-TGCCACCCCACCA-T. GRCh37 (hg19) VCF-style: chr12-2797684-TGCCACCCCACCA-T.
Other names: c.6006_6017del, p.Pro2004_Pro2007del (NM_001129827.2); c.5985_5996del, p.Pro1997_Pro2000del (NM_001129829.2); c.5967_5978del, p.Pro1991_Pro1994del (NM_001129830.3, NM_001167624.3); c.5946_5957del, p.Pro1984_Pro1987del (NM_001129831.2); c.5922_5933del, p.Pro1976_Pro1979del (NM_001129832.2); c.5919_5930del, p.Pro1975_Pro1978del (NM_001129833.2, NM_001129834.2, NM_001129835.2); c.5913_5924del, p.Pro1973_Pro1976del (NM_001129836.2); c.5886_5897del, p.Pro1964_Pro1967del (NM_001129837.2, NM_001129838.2); and 7 more.
Identifiers: ClinVar variation 702874 (VCV000702874.13), dbSNP rs781559449, ClinGen allele CA6390010.

ClinVar aggregate classification (germline): Likely benign. Review status: criteria provided, single submitter (1 of 4 stars). 2 submissions from 2 submitters: Likely benign (1). 1 of the submissions does not count toward it. Last evaluated 2026-01-31.

Conditions:
CACNA1C-related disorder. Also called: CACNA1C-related condition; CACNA1C-related disorders. Identifiers: MedGen CN381092, MONDO:0700321.
Long QT syndrome (LQTS). Identifiers: MedGen C0023976, MeSH D008133, MONDO:0002442. Disease mechanism: loss of function. Inheritance: Various modes of inheritance.

Submissions (2):

Labcorp Genetics (formerly Invitae), Labcorp
Classification: Likely benign for Long QT syndrome. Last evaluated: 2026-01-31. Review status: criteria provided, single submitter. Criteria: Invitae Variant Classification Sherloc (09022015). Collection method: clinical testing. Allele origin: germline.

PreventionGenetics, part of Exact Sciences
Classification: Likely benign for CACNA1C-related condition. Last evaluated: 2021-04-05. Review status: no assertion criteria provided. Collection method: clinical testing. Allele origin: germline. Not counted in ClinVar's aggregate classification.
Comment: This variant is classified as likely benign based on ACMG/AMP sequence variant interpretation guidelines (Richards et al. 2015 PMID: 25741868, with internal and published modifications).